The following is an entry in ClinVar:

NC_000011.9:g.(?_108183089)_(108186850_?)del

Gene: ATM (ATM serine/threonine kinase; plus strand). Cytogenetic location: 11q22.3.
Variant type: Deletion.
Identifiers: ClinVar variation 1456931 (VCV001456931.4).

ClinVar aggregate classification (germline): Pathogenic (1 of 4 stars; one submission).

Conditions:
Ataxia-telangiectasia syndrome (AT). Also called: Ataxia-telangiectasia, complementation group E; LOUIS-BAR SYNDROME; Ataxia-telangiectasia, complementation group D; AT, COMPLEMENTATION GROUP C; Ataxia-telangiectasia; Cerebello-oculocutaneous telangiectasia. Identifiers: Orphanet 100, MedGen C0004135, MONDO:0008840, OMIM 208900.

Submission:

Labcorp Genetics (formerly Invitae), Labcorp
Classification: Pathogenic for Ataxia-telangiectasia syndrome. Last evaluated: 2022-09-17. Review status: criteria provided, single submitter. Criteria: Invitae Variant Classification Sherloc (09022015). Collection method: clinical testing. Allele origin: germline.
Comment: This variant is a gross deletion of the genomic region encompassing exon(s) 40-42 of the ATM gene. This deletion is out-of-frame, and is expected to create a premature termination codon and result in an absent or disrupted protein product. Loss-of-function variants in ATM are known to be pathogenic (PMID: 23807571, 25614872). This variant has not been reported in the literature in individuals affected with ATM-related conditions. For these reasons, this variant has been classified as Pathogenic.

Literature cited by the submitters: PubMed 23807571; PubMed 25614872.